The following is an entry in ClinVar:

ClinVar aggregate classification (germline): Uncertain significance (1 of 4 stars; one submission).

Conditions:
Autosomal recessive spinocerebellar ataxia 12. Also called: SPINOCEREBELLAR ATAXIA WITH MENTAL RETARDATION AND EPILEPSY. Identifiers: Orphanet 284282, MedGen C3280452, MONDO:0013687, OMIM 614322.
Developmental and epileptic encephalopathy, 1 (DEE1). Also called: X-linked infantile spasms; West's syndrome; Tonic spasms with clustering, arrest of psychomotor development and hypsarrhythmia on EEG; X-Linked Infantile Spasm Syndrome; OHTAHARA SYNDROME, X-LINKED; INFANTILE SPASM SYNDROME, X-LINKED 1. Identifiers: MedGen C3463992, MONDO:0010632, OMIM 308350. Disease mechanism: loss of function.

Allele frequency attached by ClinVar (database versions not stated): gnomAD exomes below 0.00001.
gnomAD v4.1: 1 of 1,614,116 alleles (0.000062%); highest among the groups gnomAD compares: East Asian, 0.0022%; no homozygotes.

Submission:

Labcorp Genetics (formerly Invitae), Labcorp
Classification: Uncertain significance for Developmental and epileptic encephalopathy, 1; Autosomal recessive spinocerebellar ataxia 12. Last evaluated: 2019-02-18. Review status: criteria provided, single submitter. Criteria: Invitae Variant Classification Sherloc (09022015). Collection method: clinical testing. Allele origin: germline.
Comment: In summary, the available evidence is currently insufficient to determine the role of this variant in disease. Therefore, it has been classified as a Variant of Uncertain Significance. Algorithms developed to predict the effect of missense changes on protein structure and function are either unavailable or do not agree on the potential impact of this missense change (SIFT: "Tolerated"; PolyPhen-2: "Benign"; Align-GVGD: "Class C0"). This variant has not been reported in the literature in individuals with WWOX-related conditions. This variant is not present in population databases (ExAC no frequency). This sequence change replaces serine with proline at codon 351 of the WWOX protein (p.Ser351Pro). The serine residue is moderately conserved and there is a moderate physicochemical difference between serine and proline.

NM_016373.4(WWOX):c.1051T>C (p.Ser351Pro)

Gene: WWOX (WW domain containing oxidoreductase; plus strand). Cytogenetic location: 16q23.1.
Variant type: single nucleotide variant.
Coding change: c.1051T>C on transcript NM_016373.4 (MANE Select); coding-DNA position 1051, T replaced by C.
Protein change: p.Ser351Pro; replaces serine 351 with proline.
Molecular consequence: missense variant.
Genome position (GRCh38, 1-based): chr16:78,432,747, T>C. VCF-style: chr16-78432747-T-C. GRCh37 (hg19) VCF-style: chr16-78466644-T-C.
Other names: c.712T>C, p.Ser238Pro (NM_001291997.2); short protein forms S351P, S238P.
Identifiers: ClinVar variation 845936 (VCV000845936.8), dbSNP rs1266850996, ClinGen allele CA396843532.